The following is an entry in ClinVar:

ClinVar aggregate classification (germline): Uncertain significance. Review status: criteria provided, multiple submitters, no conflicts (2 of 4 stars). 2 submissions from 2 submitters: Uncertain significance (2). Last evaluated 2025-04-17.

Conditions:
Inborn genetic diseases. Identifiers: MedGen C0950123, MeSH D030342.
Hereditary sensory and autonomic neuropathy type 7. Also called: HSAN VII; Neuropathy, hereditary sensory and autonomic, type VII. Identifiers: Orphanet 391397, MedGen C3809882, MONDO:0014244, OMIM 615548.
Familial episodic pain syndrome with predominantly lower limb involvement. Also called: Episodic pain syndrome, familial, 3. Identifiers: Orphanet 391384, Orphanet 391392, MedGen C3809899, MONDO:0014247, OMIM 615552.

Allele frequency attached by ClinVar (database versions not stated): gnomAD exomes below 0.00001; gnomAD 0.00001; TOPMed 0.00003.
gnomAD v4.1: 7 of 1,614,094 alleles (0.00043%); highest among the groups gnomAD compares: Admixed American, 0.005%; no homozygotes.

Submissions (2):

Ambry Genetics
Classification: Uncertain significance for Inborn genetic diseases. Last evaluated: 2025-04-17. Review status: criteria provided, single submitter. Criteria: Ambry Variant Classification Scheme 2023. Collection method: clinical testing. Allele origin: germline.

Labcorp Genetics (formerly Invitae), Labcorp
Classification: Uncertain significance for Familial episodic pain syndrome with predominantly lower limb involvement; Hereditary sensory and autonomic neuropathy type 7. Last evaluated: 2023-04-22. Review status: criteria provided, single submitter. Criteria: Invitae Variant Classification Sherloc (09022015). Collection method: clinical testing. Allele origin: germline.
Comment: This sequence change replaces alanine, which is neutral and non-polar, with threonine, which is neutral and polar, at codon 1637 of the SCN11A protein (p.Ala1637Thr). This variant is present in population databases (no rsID available, gnomAD 0.003%). In summary, the available evidence is currently insufficient to determine the role of this variant in disease. Therefore, it has been classified as a Variant of Uncertain Significance. Advanced modeling of protein sequence and biophysical properties (such as structural, functional, and spatial information, amino acid conservation, physicochemical variation, residue mobility, and thermodynamic stability) performed at Invitae indicates that this missense variant is expected to disrupt SCN11A protein function. ClinVar contains an entry for this variant (Variation ID: 863550). This variant has not been reported in the literature in individuals affected with SCN11A-related conditions.

NM_001349253.2(SCN11A):c.4909G>A (p.Ala1637Thr)

Gene: SCN11A (sodium voltage-gated channel alpha subunit 11; minus strand). Cytogenetic location: 3p22.2.
Variant type: single nucleotide variant.
Coding change: c.4909G>A on transcript NM_001349253.2 (MANE Select); coding-DNA position 4909, G replaced by A.
Protein change: p.Ala1637Thr; replaces alanine 1637 with threonine.
Molecular consequence: missense variant.
Genome position (GRCh38, 1-based): chr3:38,847,161, C>T on the plus strand (G>A on the coding strand, the complement: SCN11A is on the minus strand). VCF-style: chr3-38847161-C-T. GRCh37 (hg19) VCF-style: chr3-38888652-C-T.
Other names: c.4909G>A, p.Ala1637Thr (NM_014139.3); short protein forms A1637T.
Identifiers: ClinVar variation 863550 (VCV000863550.7), dbSNP rs1388718478, ClinGen allele CA352162107.